The following is an entry in ClinVar:

NM_001110556.2(FLNA):c.257AGA[2] (p.Lys88del)

Gene: FLNA (filamin A; minus strand). Cytogenetic location: Xq28.
Variant type: Microsatellite.
Coding change: c.257AGA[2] on transcript NM_001110556.2 (MANE Select); two copies in a row of the 3-base unit AGA starting at c.257; the reference has three copies in a row; one copy, 3 bases deleted.
Protein change: p.Lys88del; deletes lysine 88.
Molecular consequence: inframe deletion.
Genome position (GRCh38, 1-based): chrX:154,370,981-154,370,983, TCT deleted on the plus strand (AGA on the coding strand, the reverse complement: FLNA is on the minus strand); deleting any 3 consecutive bases within chrX:154,370,981-154,370,989 gives the same sequence; the position shown is the placement nearest the transcript's 3' end. VCF-style (leftmost placement, unchanged base first): chrX-154370980-ATCT-A. GRCh37 (hg19) VCF-style: chrX-153599348-ATCT-A.
Other names: c.257AGA[2], p.Lys88del (NM_001456.4); c.263_265delAGA (NM_001110556.1); short protein forms K88del.
Identifiers: ClinVar variation 1254666 (VCV001254666.4), dbSNP rs2148121907, ClinGen allele CA2580612525.

ClinVar aggregate classification (germline): Pathogenic/Likely pathogenic. Review status: criteria provided, multiple submitters, no conflicts (2 of 4 stars). 3 submissions from 3 submitters: Pathogenic (2); Likely pathogenic (1). Last evaluated 2026-02-16.

Conditions:
FLNA-related disorder.
Frontometaphyseal dysplasia (FMD1). Identifiers: Orphanet 1826, MedGen C0265293, MONDO:0015942.
Heterotopia, periventricular, X-linked dominant (PVNH1). Also called: PERIVENTRICULAR NODULAR HETEROTOPIA 1; X-linked periventricular heterotopia; PERIVENTRICULAR NODULAR HETEROTOPIA 4; HETEROTOPIA, PERIVENTRICULAR, 1. Identifiers: Orphanet 2149, Orphanet 82004, MedGen C1848213, MONDO:0010233, OMIM 300049.
Melnick-Needles syndrome (MNS). Also called: Melnick-Needles Syndrome (FLNA-MNS); MELNICK-NEEDLES OSTEODYSPLASTY; OSTEODYSPLASTY OF MELNICK AND NEEDLES. Identifiers: Orphanet 2484, MedGen C0025237, MONDO:0010650, OMIM 309350.
Oto-palato-digital syndrome, type II (OPD2). Also called: Otopalatodigital Syndrome, Type II; Otopalatodigital Syndrome Type 2 (FLNA-OPD2); FACIOPALATOOSSEOUS SYNDROME; OPD II SYNDROME. Identifiers: Orphanet 669, Orphanet 90652, MedGen C1844696, MONDO:0010571, OMIM 304120.

Submissions (3):

PreventionGenetics, part of Exact Sciences
Classification: Likely pathogenic for FLNA-related condition. Last evaluated: 2026-02-16. Review status: criteria provided, single submitter. Criteria: ACMG Guidelines, 2015. Collection method: clinical testing. Allele origin: germline.
Comment: The FLNA c.263_265delAGA variant is predicted to result in an in-frame deletion (p.Lys88del). This variant has been reported de novo in two unrelated patients with periventricular nodular heterotopia (Heinzen et al. 2018. PubMed ID: 29738522; Deloison et al. 2018. PubMed ID: 30391507). This variant has not been reported in a large population database (gnomAD), indicating this variant is rare. This variant is interpreted as likely pathogenic.

Labcorp Genetics (formerly Invitae), Labcorp
Classification: Pathogenic for Oto-palato-digital syndrome, type II; Heterotopia, periventricular, X-linked dominant; Frontometaphyseal dysplasia; Melnick-Needles syndrome. Last evaluated: 2026-01-08. Review status: criteria provided, single submitter. Criteria: Invitae Variant Classification Sherloc (09022015). Collection method: clinical testing. Allele origin: germline.
Comment: This variant, c.263_265del, results in the deletion of 1 amino acid(s) of the FLNA protein (p.Lys88del), but otherwise preserves the integrity of the reading frame. This variant is not present in population databases (gnomAD no frequency). This variant has been observed in individual(s) with periventricular nodular heterotopia (PMID: 29738522, 30391507). In at least one individual the variant was observed to be de novo. ClinVar contains an entry for this variant (Variation ID: 1254666). For these reasons, this variant has been classified as Pathogenic.

GeneDx
Classification: Pathogenic. Last evaluated: 2021-08-12. Review status: criteria provided, single submitter. Criteria: GeneDx Variant Classification Process June 2021. Collection method: clinical testing. Allele origin: germline. Affected: yes.
Comment: Not observed at significant frequency in large population cohorts (Lek et al., 2016); In-frame deletion of 1 amino acids in a non-repeat region; In silico analysis supports a deleterious effect on protein structure/function; This variant is associated with the following publications: (PMID: 30391507, 29738522)

Literature cited by the submitters: PubMed 29738522 (cited by Labcorp Genetics (formerly Invitae), Labcorp); PubMed 30391507 (cited by Labcorp Genetics (formerly Invitae), Labcorp).